The following is an entry in ClinVar:

ClinVar aggregate classification (germline): Uncertain significance. Review status: criteria provided, multiple submitters, no conflicts (2 of 4 stars). 2 submissions from 2 submitters: Uncertain significance (2). Last evaluated 2024-11-09.

Conditions:
Xanthinuria type II. Also called: Xanthine dehydrogenase and aldehyde oxidase combined deficiency of; XDH and AOX dual deficiency. Identifiers: Orphanet 3467, Orphanet 93602, MedGen C1863688, MONDO:0011346, OMIM 603592.
Inborn genetic diseases. Identifiers: MedGen C0950123, MeSH D030342.

Allele frequency attached by ClinVar (database versions not stated): gnomAD exomes below 0.00001; ExAC 0.00001; gnomAD 0.00001.
gnomAD v4.1: 4 of 1,614,050 alleles (0.00025%); highest among the groups gnomAD compares: Non-Finnish European, 0.00034%; no homozygotes.

Submissions (2):

Ambry Genetics
Classification: Uncertain significance for Inborn genetic diseases. Last evaluated: 2024-11-09. Review status: criteria provided, single submitter. Criteria: Ambry Variant Classification Scheme 2023. Collection method: clinical testing. Allele origin: germline.

Labcorp Genetics (formerly Invitae), Labcorp
Classification: Uncertain significance for Xanthinuria type II. Last evaluated: 2021-03-30. Review status: criteria provided, single submitter. Criteria: Invitae Variant Classification Sherloc (09022015). Collection method: clinical testing. Allele origin: germline.
Comment: Algorithms developed to predict the effect of missense changes on protein structure and function are either unavailable or do not agree on the potential impact of this missense change (SIFT: "Deleterious"; PolyPhen-2: "Possibly Damaging"; Align-GVGD: "Class C15"). This sequence change replaces serine with isoleucine at codon 368 of the XDH protein (p.Ser368Ile). The serine residue is highly conserved and there is a large physicochemical difference between serine and isoleucine. This variant is present in population databases (rs776912338, ExAC 0.002%). This variant has not been reported in the literature in individuals with XDH-related conditions. In summary, the available evidence is currently insufficient to determine the role of this variant in disease. Therefore, it has been classified as a Variant of Uncertain Significance.

NM_000379.4(XDH):c.1103G>T (p.Ser368Ile)

Gene: XDH (xanthine dehydrogenase; minus strand). Cytogenetic location: 2p23.1.
Variant type: single nucleotide variant.
Coding change: c.1103G>T on transcript NM_000379.4 (MANE Select); coding-DNA position 1103, G replaced by T.
Protein change: p.Ser368Ile; replaces serine 368 with isoleucine.
Molecular consequence: missense variant.
Genome position (GRCh38, 1-based): chr2:31,381,662, C>A on the plus strand (G>T on the coding strand, the complement: XDH is on the minus strand). VCF-style: chr2-31381662-C-A. GRCh37 (hg19) VCF-style: chr2-31604528-C-A.
Other names: c.1103G>T (NM_000379.3); short protein forms S368I.
Identifiers: ClinVar variation 1355202 (VCV001355202.9), dbSNP rs776912338, ClinGen allele CA1599350.